The following is an entry in ClinVar:

NM_020297.4(ABCC9):c.2291C>T (p.Ala764Val)

Gene: ABCC9 (ATP binding cassette subfamily C member 9; minus strand). Cytogenetic location: 12p12.1.
Variant type: single nucleotide variant.
Coding change: c.2291C>T on transcript NM_020297.4 (MANE Select); coding-DNA position 2291, C replaced by T.
Protein change: p.Ala764Val; replaces alanine 764 with valine.
Molecular consequence: missense variant.
Genome position (GRCh38, 1-based): chr12:21,863,001, G>A on the plus strand (C>T on the coding strand, the complement: ABCC9 is on the minus strand). VCF-style: chr12-21863001-G-A. GRCh37 (hg19) VCF-style: chr12-22015935-G-A.
Other names: c.2291C>T, p.Ala764Val (NM_001377273.1, NM_005691.4); c.1424C>T, p.Ala475Val (NM_001377274.1); short protein forms A475V, A764V.
Identifiers: ClinVar variation 2642779 (VCV002642779.24), dbSNP rs767475566, ClinGen allele CA6481425.

ClinVar aggregate classification (germline): Uncertain significance (1 of 4 stars; one submission).

Allele frequency attached by ClinVar (database versions not stated): ExAC 0.00002; gnomAD exomes 0.00002; gnomAD 0.00001.
gnomAD v4.1: 23 of 1,612,572 alleles (0.0014%); highest among the groups gnomAD compares: South Asian, 0.025%; no homozygotes.

Submission:

CeGaT Center for Human Genetics Tuebingen
Classification: Uncertain significance. Last evaluated: 2023-05-01. Review status: criteria provided, single submitter. Criteria: CeGaT Center For Human Genetics Tuebingen Variant Classification Criteria Version 2. Collection method: clinical testing. Allele origin: germline. Affected: yes. Observed: 1 variant allele.
Comment: ABCC9: PP2, PP3